The following is an entry in ClinVar:

ClinVar aggregate classification (germline): Likely pathogenic (1 of 4 stars; one submission).

Conditions:
Autosomal recessive nonsyndromic hearing loss 77. Identifiers: Orphanet 90636, MedGen C2746083, MONDO:0013119, OMIM 613079.

Submission:

Institute of Rare Diseases, West China Hospital, Sichuan University
Classification: Likely pathogenic for Autosomal recessive nonsyndromic hearing loss 77. Last evaluated: 2025-01-09. Review status: criteria provided, single submitter. Criteria: ClinGen HL ACMG Specifications v1. Collection method: research. Allele origin: germline. Affected: yes.
Comment: PVS1;PM2_Supporting

NM_001384474.1(LOXHD1):c.6221T>A (p.Leu2074Ter)

Gene: LOXHD1 (lipoxygenase homology PLAT domains 1; minus strand). Cytogenetic location: 18q21.1.
Variant type: single nucleotide variant.
Coding change: c.6221T>A on transcript NM_001384474.1 (MANE Select); coding-DNA position 6221, T replaced by A.
Protein change: p.Leu2074Ter; replaces leucine 2074 with a stop codon.
Molecular consequence: nonsense.
Genome position (GRCh38, 1-based): chr18:46,483,707, A>T on the plus strand (T>A on the coding strand, the complement: LOXHD1 is on the minus strand). VCF-style: chr18-46483707-A-T. GRCh37 (hg19) VCF-style: chr18-44063670-A-T.
Other names: c.2888T>A, p.Leu963Ter (NM_001145472.3); c.938T>A, p.Leu313Ter (NM_001145473.3, NM_001173129.2); c.2600T>A, p.Leu867Ter (NM_001308013.2); c.6035T>A, p.Leu2012Ter (NM_144612.7); short protein forms L2012*, L2074*, L313*, L867*, L963*.
Identifiers: ClinVar variation 3601211 (VCV003601211.1).